The following is an entry in ClinVar:

ClinVar aggregate classification (germline): Uncertain significance (1 of 4 stars; one submission).

Allele frequency attached by ClinVar (database versions not stated): gnomAD exomes below 0.00001; TOPMed below 0.00001.
gnomAD v4.1: 2 of 1,613,764 alleles (0.00012%); highest among the groups gnomAD compares: Non-Finnish European, 0.00017%; no homozygotes.

Submission:

Labcorp Genetics (formerly Invitae), Labcorp
Classification: Uncertain significance. Last evaluated: 2022-06-24. Review status: criteria provided, single submitter. Criteria: Invitae Variant Classification Sherloc (09022015). Collection method: clinical testing. Allele origin: germline.
Comment: This sequence change replaces aspartic acid, which is acidic and polar, with glycine, which is neutral and non-polar, at codon 774 of the FREM1 protein (p.Asp774Gly). This variant is present in population databases (no rsID available, gnomAD 0.0009%). This variant has not been reported in the literature in individuals affected with FREM1-related conditions. Algorithms developed to predict the effect of missense changes on protein structure and function are either unavailable or do not agree on the potential impact of this missense change (SIFT: "Deleterious"; PolyPhen-2: "Possibly Damaging"; Align-GVGD: "Class C0"). Algorithms developed to predict the effect of sequence changes on RNA splicing suggest that this variant may disrupt the consensus splice site. In summary, the available evidence is currently insufficient to determine the role of this variant in disease. Therefore, it has been classified as a Variant of Uncertain Significance.

NM_001379081.2(FREM1):c.2321A>G (p.Asp774Gly)

Gene: FREM1 (FRAS1 related extracellular matrix 1; minus strand). Cytogenetic location: 9p22.3.
Variant type: single nucleotide variant.
Coding change: c.2321A>G on transcript NM_001379081.2 (MANE Select); coding-DNA position 2321, A replaced by G.
Protein change: p.Asp774Gly; replaces aspartic acid 774 with glycine.
Molecular consequence: missense variant. On other transcripts: non-coding transcript variant (2).
Genome position (GRCh38, 1-based): chr9:14,823,176, T>C on the plus strand (A>G on the coding strand, the complement: FREM1 is on the minus strand). VCF-style: chr9-14823176-T-C. GRCh37 (hg19) VCF-style: chr9-14823174-T-C.
Other names: c.2321A>G, p.Asp774Gly (NM_144966.7); short protein forms D774G.
Identifiers: ClinVar variation 1899152 (VCV001899152.5), dbSNP rs1407677965, ClinGen allele CA372955806.